The following is an entry in ClinVar:

NM_001376.5(DYNC1H1):c.8363C>T (p.Thr2788Ile)

Gene: DYNC1H1 (dynein cytoplasmic 1 heavy chain 1; plus strand). Cytogenetic location: 14q32.31.
Variant type: single nucleotide variant.
Coding change: c.8363C>T on transcript NM_001376.5 (MANE Select); coding-DNA position 8363, C replaced by T.
Protein change: p.Thr2788Ile; replaces threonine 2788 with isoleucine.
Molecular consequence: missense variant.
Genome position (GRCh38, 1-based): chr14:102,019,912, C>T. VCF-style: chr14-102019912-C-T. GRCh37 (hg19) VCF-style: chr14-102486249-C-T.
Other names: short protein forms T2788I.
Identifiers: ClinVar variation 3348556 (VCV003348556.2).

ClinVar aggregate classification (germline): Uncertain significance (1 of 4 stars; one submission).

Conditions:
DYNC1H1-related disorder. Also called: DYNC1H1-related condition; DYNC1H1-related disorders. Identifiers: MedGen CN381529.

gnomAD v4.1: 1 of 1,614,196 alleles (0.000062%); highest among the groups gnomAD compares: Non-Finnish European, 0.000085%; no homozygotes.

Submission:

PreventionGenetics, part of Exact Sciences
Classification: Uncertain significance for DYNC1H1-related condition. Last evaluated: 2025-05-07. Review status: criteria provided, single submitter. Criteria: ACMG Guidelines, 2015. Collection method: clinical testing. Allele origin: germline.
Comment: The DYNC1H1 c.8363C>T variant is predicted to result in the amino acid substitution p.Thr2788Ile. To our knowledge, this variant has not been reported in the literature or in a large population database (gnomAD), indicating this variant is rare. At this time, the clinical significance of this variant is uncertain due to the absence of conclusive functional and genetic evidence.